The following is an entry in ClinVar:

ClinVar aggregate classification (germline): Uncertain significance (3 of 4 stars; one submission).

Conditions:
Bernard Soulier syndrome (BSS). Also called: GLYCOPROTEIN Ib, PLATELET, DEFICIENCY OF; PLATELET GLYCOPROTEIN Ib DEFICIENCY; VON WILLEBRAND FACTOR RECEPTOR DEFICIENCY; Giant platelet syndrome; Hemorrhagiparous thrombocytic dystrophy; Giant platelet disease. Identifiers: Orphanet 274, MedGen C0005129, MeSH D001606, MONDO:0009276, OMIM 231200.

Submission:

ClinGen Platelet Disorders Variant Curation Expert Panel, ClinGen
Classification: Uncertain significance for Bernard Soulier syndrome. Last evaluated: 2025-04-15. Review status: reviewed by expert panel. Criteria: ClinGen Platelet ACMG Specifications GP1BA V1.0.0. Collection method: curation. Allele origin: germline. Inheritance: Autosomal recessive inheritance.
Comment: The c.785T>G variant in GP1BA is a missense variant predicted to cause substitution of Valine by Glycine at amino acid 262 (p.Val262Gly). At least one patient (Patient BSS19.01 in PMID:23995613) with this variant had aggregation absent for ristocetin and present for all other agonists and less than 10% expression of GPIba measured by flow cytometry, which is highly specific for Bernard-Soulier syndrome. Additionally, the patient had excessive mucocutaneous bleeding and macrothrombocytopenia which are consistent with Bernard-Soulier syndrome (PP4). Additionally, the variant has been reported to segregate in this proband plus 1 additional homozygous BSS affected family member who displays significantly reduced surface expression of GP1BA and giant platelets). 1 pt total (PP1_Supporting). This variant is absent from gnomAD v4.1.0 (PM2_Supporting). In summary, this variant meets the criteria to be classified as VUS for autosomal recessive Bernard-Soulier syndrome based on the ACMG/AMP criteria applied, as specified by the ClinGen PD VCEP: PP4, PM3_Supporting, PP1 and PM2_Supporting (VCEP specifications version 1).

NM_000173.7(GP1BA):c.785T>G (p.Val262Gly)

Gene: GP1BA (glycoprotein Ib platelet subunit alpha; plus strand). Cytogenetic location: 17p13.2.
Variant type: single nucleotide variant.
Coding change: c.785T>G on transcript NM_000173.7 (MANE Select); coding-DNA position 785, T replaced by G.
Protein change: p.Val262Gly; replaces valine 262 with glycine.
Molecular consequence: missense variant.
Genome position (GRCh38, 1-based): chr17:4,933,389, T>G. VCF-style: chr17-4933389-T-G. GRCh37 (hg19) VCF-style: chr17-4836684-T-G.
Other names: NM_000173.7:c.785T>G; short protein forms V262G.
Identifiers: ClinVar variation 4087794 (VCV004087794.1).
Genomic context (GRCh38, chr17:4,933,389, plus strand): 5'-ATGTCTACGTATGGAAGCAAGGTGTGGACGTCAAGGCCATGACCTCTAACGTGGCCAGTG[T>G]GCAGTGTGACAATTCAGACAAGTTTCCCGTCTACAAATACCCAGGAAAGGGGTGCCCCAC-3'
Protein context (NP_000164.5, residues 252-272): VKAMTSNVAS[Val262Gly]QCDNSDKFPV